The following is an entry in ClinVar:

ClinVar aggregate classification (germline): Uncertain significance (1 of 4 stars; one submission).

gnomAD v4.1: 7 of 1,608,922 alleles (0.00044%); highest among the groups gnomAD compares: Non-Finnish European, 0.0006%; no homozygotes.

Submission:

Women's Health and Genetics/Laboratory Corporation of America, LabCorp
Classification: Uncertain significance. Last evaluated: 2026-01-16. Review status: criteria provided, single submitter. Criteria: LabCorp Variant Classification Summary - May 2015. Collection method: clinical testing. Allele origin: germline.
Comment: Variant summary: PHF21A c.1606A>G (p.Met536Val) results in a conservative amino acid change in the encoded protein sequence. Algorithms developed to predict the effect of missense changes on protein structure and function are either unavailable or do not agree on the potential impact of this missense change. Consensus agreement among computation tools predict no significant impact on normal splicing. However, these predictions have yet to be confirmed by functional studies. The variant allele was found at a frequency of 8e-06 in 251274 control chromosomes. The available data on variant occurrences in the general population are insufficient to allow any conclusion about variant significance. To our knowledge, no occurrence of c.1606A>G in individuals affected with PHF21A-related conditions and no experimental evidence demonstrating its impact on protein function have been reported. No submitters have cited clinical-significance assessments for this variant to ClinVar. Based on the evidence outlined above, the variant was classified as uncertain significance.

NM_001352027.3(PHF21A):c.1609A>G (p.Met537Val)

Gene: PHF21A (PHD finger protein 21A; minus strand). Cytogenetic location: 11p11.2.
Variant type: single nucleotide variant.
Coding change: c.1609A>G on transcript NM_001352027.3 (MANE Select); coding-DNA position 1609, A replaced by G.
Protein change: p.Met537Val; replaces methionine 537 with valine.
Molecular consequence: missense variant. On other transcripts: non-coding transcript variant (2).
Genome position (GRCh38, 1-based): chr11:45,936,569, T>C on the plus strand (A>G on the coding strand, the complement: PHF21A is on the minus strand). VCF-style: chr11-45936569-T-C. GRCh37 (hg19) VCF-style: chr11-45958120-T-C.
Other names: c.1606A>G, p.Met536Val (NM_001101802.3); c.1609A>G, p.Met537Val (NM_001352025.3, NM_001352026.3, NM_001441170.1); c.1468A>G, p.Met490Val (NM_001352028.1, NM_001352029.1, NM_016621.5); c.1465A>G, p.Met489Val (NM_001352030.3, NM_001352031.3, NM_001352032.3); c.1630A>G, p.Met544Val (NM_001441167.1, NM_001441168.1); c.1627A>G, p.Met543Val (NM_001441169.1); c.1450A>G, p.Met484Val (NM_001441171.1); c.1357A>G, p.Met453Val (NM_001441172.1); short protein forms M453V, M484V, M489V, M490V, M536V, M537V, M543V, M544V.
Identifiers: ClinVar variation 4689314 (VCV004689314.1).
Genomic context (GRCh38, chr11:45,936,569, plus strand): 5'-TATAGGAATGAACAATTGCTAAAGTTCCAGGCCATGGAATTGCTTCTTCCTTCTTCAGCA[T>C]CTGAAAAGATTTTTAGAATTTTACCTTGAGAAGGAGGTTTAAACACACATCCTCTATGTA-3'
Protein context (NP_001338956.1, residues 527-547): MWICPRCQDQ[Met537Val]LKKEEAIPWP